The following is an entry in ClinVar:

NM_014908.4(DOLK):c.885C>T (p.Asp295=)

Gene: DOLK (dolichol kinase; minus strand). Cytogenetic location: 9q34.11.
Variant type: single nucleotide variant.
Coding change: c.885C>T on transcript NM_014908.4 (MANE Select); coding-DNA position 885, C replaced by T.
Protein change: p.Asp295=; no amino-acid change (aspartic acid 295 retained).
Molecular consequence: synonymous variant.
Genome position (GRCh38, 1-based): chr9:128,946,419, G>A on the plus strand (C>T on the coding strand, the complement: DOLK is on the minus strand). VCF-style: chr9-128946419-G-A. GRCh37 (hg19) VCF-style: chr9-131708698-G-A.
Identifiers: ClinVar variation 782222 (VCV000782222.11), dbSNP rs762558659, ClinGen allele CA5271670.
Genomic context (GRCh38, chr9:128,946,419, plus strand): 5'-CACCACCAGGCAGGCCAAGGTGGCCAGCAGAGACCAATAGGCTAGGAGGTAGATGCGGGT[G>A]TCTGTCTGGAAGAGAAACTGAAGAAGCCAGAGCAGGGGATTCCTGCGGATGAGCCGGTGC-3'
Protein context (NP_055723.1, residues 285-305): LWLLQFLFQT[Asp295=]TRIYLLAYWS

ClinVar aggregate classification (germline): Likely benign. Review status: criteria provided, multiple submitters, no conflicts (2 of 4 stars). 3 submissions from 3 submitters: Likely benign (3). Last evaluated 2025-11-11.

Conditions:
DK1-congenital disorder of glycosylation. Also called: DK1-CDG; CONGENITAL DISORDER OF GLYCOSYLATION, TYPE Im; CDG Im; DK1 DEFICIENCY; DOLICHOL KINASE DEFICIENCY; DOLK-congenital disorder of glycosylation. Identifiers: Orphanet 91131, MedGen C1835849, MONDO:0012556, OMIM 610768.
DOLK-related disorder. Also called: DOLK-related condition.
Cardiovascular phenotype. Identifiers: MedGen CN230736.

Allele frequency attached by ClinVar (database versions not stated): gnomAD exomes below 0.00001 and 0.00003; ExAC 0.00001; gnomAD 0.00002; TOPMed 0.00002.

Submissions (3):

PreventionGenetics, part of Exact Sciences
Classification: Likely benign for DOLK-related condition. Last evaluated: 2025-11-11. Review status: criteria provided, single submitter. Criteria: ACMG Guidelines, 2015. Collection method: clinical testing. Allele origin: germline.
Comment: This variant is classified as likely benign based on ACMG/AMP sequence variant interpretation guidelines (Richards et al. 2015 PMID: 25741868, with internal and published modifications).

Labcorp Genetics (formerly Invitae), Labcorp
Classification: Likely benign for DK1-congenital disorder of glycosylation. Last evaluated: 2025-11-03. Review status: criteria provided, single submitter. Criteria: Invitae Variant Classification Sherloc (09022015). Collection method: clinical testing. Allele origin: germline.

Ambry Genetics
Classification: Likely benign for Cardiovascular phenotype. Last evaluated: 2022-12-14. Review status: criteria provided, single submitter. Criteria: Ambry Variant Classification Scheme 2023. Collection method: clinical testing. Allele origin: germline.